The following is an entry in ClinVar:

ClinVar aggregate classification (germline): Uncertain significance (1 of 4 stars; one submission).

Conditions:
Short-rib thoracic dysplasia 14 with polydactyly (SRTD14). Identifiers: Orphanet 397715, MedGen C4225286, MONDO:0014688, OMIM 616546.
Joubert syndrome 23 (JBTS23). Identifiers: Orphanet 475, MedGen C4084822, MONDO:0014664, OMIM 616490.

Allele frequency attached by ClinVar (database versions not stated): gnomAD exomes below 0.00001.
gnomAD v4.1: 2 of 1,613,732 alleles (0.00012%); highest among the groups gnomAD compares: Non-Finnish European, 0.00017%; no homozygotes.

Submission:

Labcorp Genetics (formerly Invitae), Labcorp
Classification: Uncertain significance for Joubert syndrome 23; Short-rib thoracic dysplasia 14 with polydactyly. Last evaluated: 2021-05-14. Review status: criteria provided, single submitter. Criteria: Invitae Variant Classification Sherloc (09022015). Collection method: clinical testing. Allele origin: germline.
Comment: In summary, the available evidence is currently insufficient to determine the role of this variant in disease. Therefore, it has been classified as a Variant of Uncertain Significance. Algorithms developed to predict the effect of missense changes on protein structure and function are either unavailable or do not agree on the potential impact of this missense change (SIFT: "Deleterious"; PolyPhen-2: "Probably Damaging"; Align-GVGD: "Class C0"). This variant has not been reported in the literature in individuals with KIAA0586-related conditions. This variant is not present in population databases (ExAC no frequency). This sequence change replaces threonine with isoleucine at codon 1174 of the KIAA0586 protein (p.Thr1174Ile). The threonine residue is moderately conserved and there is a moderate physicochemical difference between threonine and isoleucine.

NM_001329943.3(KIAA0586):c.3362C>T (p.Thr1121Ile)

Gene: KIAA0586 (KIAA0586; plus strand). Cytogenetic location: 14q23.1.
Variant type: single nucleotide variant.
Coding change: c.3362C>T on transcript NM_001329943.3 (MANE Select); coding-DNA position 3362, C replaced by T.
Protein change: p.Thr1121Ile; replaces threonine 1121 with isoleucine.
Molecular consequence: missense variant.
Genome position (GRCh38, 1-based): chr14:58,487,944, C>T. VCF-style: chr14-58487944-C-T. GRCh37 (hg19) VCF-style: chr14-58954662-C-T.
Other names: c.3521C>T, p.Thr1174Ile (NM_001244189.2); c.3317C>T, p.Thr1106Ile (NM_001244190.2); c.3107C>T, p.Thr1036Ile (NM_001244191.2, NM_001329945.2, NM_001364700.1 and 1 more transcripts); c.3230C>T, p.Thr1077Ile (NM_001244192.2); c.2942C>T, p.Thr981Ile (NM_001244193.2); c.3362C>T, p.Thr1121Ile (NM_001329944.2, NM_001329946.2, NM_001329947.2); c.3134C>T, p.Thr1045Ile (NM_014749.5); short protein forms T1045I, T981I, T1077I, T1106I, T1174I, T1036I, T1121I.
Identifiers: ClinVar variation 1401907 (VCV001401907.8), dbSNP rs2141193303, ClinGen allele CA389881754.
Genomic context (GRCh38, chr14:58,487,944, plus strand): 5'-TAGGAGATGATATGCCTGCCATCATGCTTGTTAATACTCCAACAGTTACCCCTACTACTA[C>T]ACCTCCTCCAGCGGCGGCAGTTTTTACCCCAACTTTGTCAGATATTTCCATTGATAAATT-3'
Protein context (NP_001316872.1, residues 1111-1131): VNTPTVTPTT[Thr1121Ile]PPPAAAVFTP